The following is an entry in ClinVar:

NM_004946.3(DOCK2):c.932G>A (p.Gly311Asp)

Genes: DOCK2 (dedicator of cytokinesis 2; plus strand), LOC126807589 (BRD4-independent group 4 enhancer GRCh37_chr5:169122482-169123681; plus strand). Cytogenetic location: 5q35.1.
Variant type: single nucleotide variant.
Coding change: c.932G>A on transcript NM_004946.3 (MANE Select); coding-DNA position 932, G replaced by A.
Protein change: p.Gly311Asp; replaces glycine 311 with aspartic acid.
Molecular consequence: missense variant. On other transcripts: non-coding transcript variant (1).
Genome position (GRCh38, 1-based): chr5:169,695,891, G>A. VCF-style: chr5-169695891-G-A. GRCh37 (hg19) VCF-style: chr5-169122895-G-A.
Other names: short protein forms G311D.
Identifiers: ClinVar variation 3639332 (VCV003639332.2).
Genomic context (GRCh38, chr5:169,695,891, plus strand): 5'-ATAAAATTTACTTGATTTGTCAAATAGTCCGGGTCGGCAAGATGGATCTTAAGGATACTG[G>A]TGCAAAGAAGTGCACGCAGGGACTGAGGAGGCCCTTTGGGGTGGCAGGTAAGGGGCACAC-3'
Protein context (NP_004937.1, residues 301-321): RVGKMDLKDT[Gly311Asp]AKKCTQGLRR

ClinVar aggregate classification (germline): Uncertain significance (1 of 4 stars; one submission).

Conditions:
DOCK2 deficiency. Also called: Immunodeficiency 40. Identifiers: Orphanet 447737, MedGen C4225328, MONDO:0014637, OMIM 616433.

Submission:

Labcorp Genetics (formerly Invitae), Labcorp
Classification: Uncertain significance for DOCK2 deficiency. Last evaluated: 2024-02-23. Review status: criteria provided, single submitter. Criteria: Invitae Variant Classification Sherloc (09022015). Collection method: clinical testing. Allele origin: germline.
Comment: This sequence change replaces glycine, which is neutral and non-polar, with aspartic acid, which is acidic and polar, at codon 311 of the DOCK2 protein (p.Gly311Asp). This variant is not present in population databases (gnomAD no frequency). This variant has not been reported in the literature in individuals affected with DOCK2-related conditions. An algorithm developed to predict the effect of missense changes on protein structure and function (PolyPhen-2) suggests that this variant is likely to be tolerated. In summary, the available evidence is currently insufficient to determine the role of this variant in disease. Therefore, it has been classified as a Variant of Uncertain Significance.